The following is an entry in ClinVar:

ClinVar aggregate classification (germline): Pathogenic. Review status: criteria provided, single submitter (1 of 4 stars). 2 submissions from 2 submitters: Pathogenic (1). 1 of the submissions does not count toward it. Last evaluated 2024-08-06.

Conditions:
Glycine encephalopathy 1 (GCE1). Identifiers: MedGen CN376801, MONDO:0958179, OMIM 605899.
Glycine encephalopathy. Also called: Nonketotic hyperglycinemia; Non-ketotic hyperglycinemia. Identifiers: Orphanet 407, MedGen C0751748, MONDO:0011612, HP:0008288.

Allele frequency attached by ClinVar (database versions not stated): gnomAD exomes below 0.00001.
gnomAD v4.1: 1 of 1,613,920 alleles (0.000062%); highest among the groups gnomAD compares: Non-Finnish European, 0.000085%; no homozygotes.

Submissions (2):

3billion
Classification: Pathogenic for Glycine encephalopathy 1. Last evaluated: 2024-08-06. Review status: criteria provided, single submitter. Criteria: ACMG Guidelines, 2015. Collection method: clinical testing. Allele origin: germline. Affected: yes.
Comment: The variant is observed at an extremely low frequency in the gnomAD v4.0.0 dataset (total allele frequency: <0.001%). Predicted Consequence/Location: Stop-gained (nonsense): predicted to result in a loss or disruption of normal protein function through nonsense-mediated decay (NMD) or protein truncation. Multiple pathogenic variants are reported downstream of the variant. The variant has been reported to be associated with GLDC related disorder (ClinVar ID: VCV000056056 /PMID: 16450403). However, the evidence of pathogenicity is insufficient at this time. Therefore, this variant is classified as Pathogenic according to the recommendation of ACMG/AMP guideline.

Juha Muilu Group; Institute for Molecular Medicine Finland (FIMM)
Classification: Likely pathogenic for Non-ketotic hyperglycinemia. Review status: no assertion criteria provided. Collection method: not provided. Allele origin: unknown. Not counted in ClinVar's aggregate classification.
Comment: FinDis database variant: This variant was not found or characterized by our laboratory, data were collected from public sources: see reference
ClinVar note: Converted during submission from probable-pathogenic to Likely pathogenic.

Literature cited by the submitters: PubMed 16450403 (cited by 3billion).

NM_000170.3(GLDC):c.1996C>T (p.Gln666Ter)

Gene: GLDC (glycine decarboxylase; minus strand). Cytogenetic location: 9p24.1.
Variant type: single nucleotide variant.
Coding change: c.1996C>T on transcript NM_000170.3 (MANE Select); coding-DNA position 1996, C replaced by T.
Protein change: p.Gln666Ter; replaces glutamine 666 with a stop codon.
Molecular consequence: nonsense.
Genome position (GRCh38, 1-based): chr9:6,558,615, G>A on the plus strand (C>T on the coding strand, the complement: GLDC is on the minus strand). VCF-style: chr9-6558615-G-A. GRCh37 (hg19) VCF-style: chr9-6558615-G-A.
Other names: short protein forms Q666*.
Identifiers: ClinVar variation 56056 (VCV000056056.3), dbSNP rs386833537, ClinGen allele CA263325.